The following is an entry in ClinVar:

NM_032578.4(MYPN):c.1217C>T (p.Ala406Val)

Gene: MYPN (myopalladin; plus strand). Cytogenetic location: 10q21.3.
Variant type: single nucleotide variant.
Coding change: c.1217C>T on transcript NM_032578.4 (MANE Select); coding-DNA position 1217, C replaced by T.
Protein change: p.Ala406Val; replaces alanine 406 with valine.
Molecular consequence: missense variant. On other transcripts: non-coding transcript variant (2).
Genome position (GRCh38, 1-based): chr10:68,148,439, C>T. VCF-style: chr10-68148439-C-T. GRCh37 (hg19) VCF-style: chr10-69908196-C-T.
Other names: c.1217C>T, p.Ala406Val (NM_001256267.2); c.335C>T, p.Ala112Val (NM_001256268.2); short protein forms A406V, A112V.
Identifiers: ClinVar variation 1906131 (VCV001906131.5), dbSNP rs568019827, ClinGen allele CA5522475.

ClinVar aggregate classification (germline): Uncertain significance (1 of 4 stars; one submission).

Conditions:
Dilated cardiomyopathy 1KK (CMD1KK). Identifiers: Orphanet 154, Orphanet 75249, MedGen C3714995, MONDO:0014100, OMIM 615248.

Allele frequency attached by ClinVar (database versions not stated): TOPMed below 0.00001; gnomAD 0.00005; gnomAD exomes 0.00007; ExAC 0.00025; 1000 Genomes Project 30x 0.00031; 1000 Genomes Project 0.00040.
gnomAD v4.1: 106 of 1,614,098 alleles (0.0066%); highest among the groups gnomAD compares: South Asian, 0.12%; no homozygotes.

Submission:

Labcorp Genetics (formerly Invitae), Labcorp
Classification: Uncertain significance for Dilated cardiomyopathy 1KK. Last evaluated: 2022-06-08. Review status: criteria provided, single submitter. Criteria: Invitae Variant Classification Sherloc (09022015). Collection method: clinical testing. Allele origin: germline.
Comment: In summary, the available evidence is currently insufficient to determine the role of this variant in disease. Therefore, it has been classified as a Variant of Uncertain Significance. Algorithms developed to predict the effect of missense changes on protein structure and function output the following: SIFT: "Tolerated"; PolyPhen-2: "Benign"; Align-GVGD: "Class C0". The valine amino acid residue is found in multiple mammalian species, which suggests that this missense change does not adversely affect protein function. This variant has not been reported in the literature in individuals affected with MYPN-related conditions. This variant is present in population databases (rs568019827, gnomAD 0.1%). This sequence change replaces alanine, which is neutral and non-polar, with valine, which is neutral and non-polar, at codon 406 of the MYPN protein (p.Ala406Val).